The following is an entry in ClinVar:

ClinVar aggregate classification (germline): Uncertain significance (0 of 4 stars; one submission).

Conditions:
PCNT-related disorder. Also called: PCNT-related condition.

gnomAD v4.1: 30 of 1,611,984 alleles (0.0019%); highest among the groups gnomAD compares: African/African-American, 0.0027%; no homozygotes.

Submission:

PreventionGenetics, part of Exact Sciences
Classification: Uncertain significance for PCNT-related condition. Last evaluated: 2023-12-19. Review status: no assertion criteria provided. Collection method: clinical testing. Allele origin: germline.
Comment: The PCNT c.2164A>G variant is predicted to result in the amino acid substitution p.Asn722Asp. To our knowledge, this variant has not been reported in the literature. This variant is reported in 0.0044% of alleles in individuals of European (Non-Finnish) descent in gnomAD. At this time, the clinical significance of this variant is uncertain due to the absence of conclusive functional and genetic evidence.

NM_006031.6(PCNT):c.2164A>G (p.Asn722Asp)

Gene: PCNT (pericentrin; plus strand). Cytogenetic location: 21q22.3.
Variant type: single nucleotide variant.
Coding change: c.2164A>G on transcript NM_006031.6 (MANE Select); coding-DNA position 2164, A replaced by G.
Protein change: p.Asn722Asp; replaces asparagine 722 with aspartic acid.
Molecular consequence: missense variant.
Genome position (GRCh38, 1-based): chr21:46,363,489, A>G. VCF-style: chr21-46363489-A-G. GRCh37 (hg19) VCF-style: chr21-47783404-A-G.
Other names: c.1810A>G, p.Asn604Asp (NM_001315529.2); short protein forms N604D, N722D.
Identifiers: ClinVar variation 3358127 (VCV003358127.1).